The following is an entry in ClinVar:

ClinVar aggregate classification (germline): Pathogenic (1 of 4 stars; one submission).

Conditions:
Marfan syndrome (MFS). Also called: Marfan syndrome type 1; Marfan's syndrome; FBN1-Related Marfan Syndrome; MARFAN SYNDROME, TYPE I; Marfan syndrome, classic. Identifiers: Orphanet 284963, Orphanet 558, MedGen C0024796, MONDO:0007947, OMIM 154700.
Familial thoracic aortic aneurysm and aortic dissection (TAAD). Also called: Thoracic aortic aneurysms and dissections. Identifiers: Orphanet 91387, MedGen C4707243, MONDO:0019625.

Submission:

Labcorp Genetics (formerly Invitae), Labcorp
Classification: Pathogenic for Marfan syndrome; Familial thoracic aortic aneurysm and aortic dissection. Last evaluated: 2021-08-05. Review status: criteria provided, single submitter. Criteria: Invitae Variant Classification Sherloc (09022015). Collection method: clinical testing. Allele origin: germline.
Comment: For these reasons, this variant has been classified as Pathogenic. This variant has not been reported in the literature in individuals affected with FBN1-related conditions. This variant is not present in population databases (ExAC no frequency). This sequence change creates a premature translational stop signal (p.Cys546*) in the FBN1 gene. It is expected to result in an absent or disrupted protein product. Loss-of-function variants in FBN1 are known to be pathogenic (PMID: 17657824, 19293843).

Literature cited by the submitters: PubMed 17657824; PubMed 19293843.

NM_000138.5(FBN1):c.1638C>A (p.Cys546Ter)

Gene: FBN1 (fibrillin 1; minus strand). Cytogenetic location: 15q21.1.
Variant type: single nucleotide variant.
Coding change: c.1638C>A on transcript NM_000138.5 (MANE Select); coding-DNA position 1638, C replaced by A.
Protein change: p.Cys546Ter; replaces cysteine 546 with a stop codon.
Molecular consequence: nonsense.
Genome position (GRCh38, 1-based): chr15:48,510,120, G>T on the plus strand (C>A on the coding strand, the complement: FBN1 is on the minus strand). VCF-style: chr15-48510120-G-T. GRCh37 (hg19) VCF-style: chr15-48802317-G-T.
Other names: short protein forms C546*.
Identifiers: ClinVar variation 1392400 (VCV001392400.6), dbSNP rs2141323411, ClinGen allele CA392341195.